The following is an entry in ClinVar:

ClinVar aggregate classification (germline): Likely pathogenic (1 of 4 stars; one submission).

Submission:

GeneDx
Classification: Likely pathogenic. Last evaluated: 2022-01-17. Review status: criteria provided, single submitter. Criteria: GeneDx Variant Classification Process June 2021. Collection method: clinical testing. Allele origin: germline. Affected: yes.
Comment: Canonical splice site variant predicted to result in a null allele in a gene for which loss-of-function is a known mechanism of disease; Not observed at significant frequency in large population cohorts (gnomAD); This variant is associated with the following publications: (PMID: 24416283)

NM_138691.3(TMC1):c.453+2T>C

Gene: TMC1 (transmembrane channel like 1; plus strand). Cytogenetic location: 9q21.13.
Variant type: single nucleotide variant.
Coding change: c.453+2T>C on transcript NM_138691.3 (MANE Select); the canonical splice donor site of the intron after coding-DNA position 453, T replaced by C.
Molecular consequence: splice donor variant.
Genome position (GRCh38, 1-based): chr9:72,740,211, T>C. VCF-style: chr9-72740211-T-C. GRCh37 (hg19) VCF-style: chr9-75355127-T-C.
Identifiers: ClinVar variation 1696928 (VCV001696928.2), dbSNP rs2118015234, ClinGen allele CA373495021.